The following is an entry in ClinVar:

NM_198586.3(NHLRC1):c.708dup (p.Gly237fs)

Gene: NHLRC1 (NHL repeat containing E3 ubiquitin protein ligase 1; minus strand). Cytogenetic location: 6p22.3.
Variant type: Duplication.
Coding change: c.708dup on transcript NM_198586.3 (MANE Select); coding-DNA position 708, one base duplicated (A; older notation c.708dupA).
Protein change: p.Gly237fs; shifts the reading frame from glycine 237.
Molecular consequence: frameshift variant.
Genome position (GRCh38, 1-based): chr6:18,121,899, T duplicated on the plus strand (A on the coding strand, the reverse complement: NHLRC1 is on the minus strand). VCF-style (leftmost placement, unchanged base first): chr6-18121898-C-CT. GRCh37 (hg19) VCF-style: chr6-18122129-C-CT.
Other names: short protein forms G237fs.
Identifiers: ClinVar variation 421071 (VCV000421071.2), dbSNP rs1554136433, ClinGen allele CA16618272.

ClinVar aggregate classification (germline): Likely pathogenic (1 of 4 stars; one submission).

Submission:

GeneDx
Classification: Likely pathogenic. Last evaluated: 2016-05-10. Review status: criteria provided, single submitter. Criteria: GeneDx Variant Classification (06012015). Collection method: clinical testing. Allele origin: germline. Affected: yes.
Comment: The c.708dupA variant has not been published as a pathogenic variant, nor has it been reported as a benign variant to our knowledge. It was not observed in approximately 6,500 individuals of European and African American ancestry in the NHLBI Exome Sequencing Project, indicating it is not a common benign variant in these populations. The c.708dupA variant causes a frameshift starting with codon Glycine 237, changes this amino acid to an Arginine residue and creates a premature Stop codon at position 19 of the new reading frame, denoted p.Gly237ArgfsX19. This pathogenic variant is predicted to cause loss of normal protein function through protein truncation as the last 159 amino acids are replaced with 18 incorrect amino acids. Although this variant has not been reported previously to our knowledge, other frameshift variants downstream of this position have been reported in the Human Gene Mutation Database in association with Lafora disease (Stenson et al., 2014). Therefore, this variant is likely pathogenic; however, the possibility that it is benign cannot be excluded.